The following is an entry in ClinVar:

ClinVar aggregate classification (germline): Uncertain significance (1 of 4 stars; one submission).

Allele frequency attached by ClinVar (database versions not stated): gnomAD exomes below 0.00001; ExAC 0.00001.
gnomAD v4.1: 2 of 1,612,550 alleles (0.00012%); highest among the groups gnomAD compares: Admixed American, 0.0017%; no homozygotes.

Submission:

Labcorp Genetics (formerly Invitae), Labcorp
Classification: Uncertain significance. Last evaluated: 2022-05-29. Review status: criteria provided, single submitter. Criteria: Invitae Variant Classification Sherloc (09022015). Collection method: clinical testing. Allele origin: germline.
Comment: In summary, the available evidence is currently insufficient to determine the role of this variant in disease. Therefore, it has been classified as a Variant of Uncertain Significance. Variants that disrupt the consensus splice site are a relatively common cause of aberrant splicing (PMID: 17576681, 9536098). Algorithms developed to predict the effect of sequence changes on RNA splicing suggest that this variant is not likely to affect RNA splicing. This variant has not been reported in the literature in individuals affected with ARHGEF18-related conditions. This variant is present in population databases (rs748625035, gnomAD 0.003%). This sequence change falls in intron 18 of the ARHGEF18 gene. It does not directly change the encoded amino acid sequence of the ARHGEF18 protein. It affects a nucleotide within the consensus splice site.

Literature cited by the submitters: PubMed 17576681; PubMed 9536098.

NM_001367823.1(ARHGEF18):c.3913+3G>A

Gene: ARHGEF18 (Rho/Rac guanine nucleotide exchange factor 18; plus strand). Cytogenetic location: 19p13.2.
Variant type: single nucleotide variant.
Coding change: c.3913+3G>A on transcript NM_001367823.1 (MANE Select); 3 bases into the intron after coding-DNA position 3913, G replaced by A.
Molecular consequence: intron variant.
Genome position (GRCh38, 1-based): chr19:7,470,032, G>A. VCF-style: chr19-7470032-G-A. GRCh37 (hg19) VCF-style: chr19-7534918-G-A.
Other names: c.2875+3G>A (NM_001367824.1, NM_015318.4); c.3187+3G>A (NM_001130955.2).
Identifiers: ClinVar variation 2125641 (VCV002125641.3), dbSNP rs748625035, ClinGen allele CA9137285.